The following is an entry in ClinVar:

NM_000642.3(AGL):c.846+8T>A

Gene: AGL (amylo-alpha-1,6-glucosidase and 4-alpha-glucanotransferase; plus strand). Cytogenetic location: 1p21.2.
Variant type: single nucleotide variant.
Coding change: c.846+8T>A on transcript NM_000642.3 (MANE Select); 8 bases into the intron after coding-DNA position 846, T replaced by A.
Molecular consequence: intron variant.
Genome position (GRCh38, 1-based): chr1:99,870,589, T>A. VCF-style: chr1-99870589-T-A. GRCh37 (hg19) VCF-style: chr1-100336145-T-A.
Other names: p.?; c.846+8T>A (NM_000643.3, NM_000644.3, NM_001425326.1 and 3 more transcripts); c.798+8T>A (NM_000646.3); c.642+8T>A (NM_001425328.1, NM_001425329.1); c.468+8T>A (NM_001425332.1).
Identifiers: ClinVar variation 456514 (VCV000456514.12), dbSNP rs372517543, ClinGen allele CA966276.
Genomic context (GRCh38, chr1:99,870,589, plus strand): 5'-AATACAAAGAAAAGGGAATACCTGCTTTGATTGAAAATGATCACCATATGAATGTCAGTA[T>A]GTACAGAGGAGTATCACACTAAAACAGAAAAAATTTCTAAAGCACACATTAAATATATGG-3'

ClinVar aggregate classification (germline): Conflicting classifications of pathogenicity. Review status: criteria provided, conflicting classifications (1 of 4 stars). 7 submissions from 7 submitters: Uncertain significance (5); Likely benign (1). 1 of the submissions does not count toward it. Last evaluated 2024-03-13.

Conditions:
AGL-related disorder. Also called: AGL-related condition.
Glycogen storage disease type III (GSD3). Also called: Cori disease; FORBES DISEASE. Identifiers: Orphanet 366, MedGen C0017922, MONDO:0009291, OMIM 232400.

Allele frequency attached by ClinVar (database versions not stated): ExAC 0.00004; gnomAD 0.00006 and 0.00007; gnomAD exomes 0.00006 and 0.00014; TOPMed 0.00006; ESP Exome Variant Server 0.00008.

Submissions (7):

Blueprint Genetics
Classification: Likely benign. Last evaluated: 2024-03-13. Review status: criteria provided, single submitter. Criteria: ACMG Guidelines, 2015. Collection method: clinical testing. Allele origin: germline.

Mayo Clinic Laboratories, Mayo Clinic
Classification: Uncertain significance. Last evaluated: 2023-07-26. Review status: criteria provided, single submitter. Criteria: ACMG Guidelines, 2015. Collection method: clinical testing. Allele origin: germline. Observed: 1 variant allele.
Comment: PP3

Genome-Nilou Lab
Classification: Uncertain significance for Glycogen storage disease type III. Last evaluated: 2023-04-11. Review status: criteria provided, single submitter. Criteria: ACMG Guidelines, 2015. Collection method: clinical testing. Allele origin: germline. Affected: no.

PreventionGenetics, part of Exact Sciences
Classification: Uncertain significance for AGL-related condition. Last evaluated: 2023-02-08. Review status: criteria provided, single submitter. Criteria: ACMG Guidelines, 2015. Collection method: clinical testing. Allele origin: germline.
Comment: The AGL c.846+8T>A variant is predicted to interfere with splicing. To our knowledge, this variant has not been reported in the literature. This variant is reported in 0.012% of alleles in individuals of European (Non-Finnish) descent in gnomAD. At this time, the clinical significance of this variant is uncertain due to the absence of conclusive functional and genetic evidence.

Labcorp Genetics (formerly Invitae), Labcorp
Classification: Uncertain significance for Glycogen storage disease type III. Last evaluated: 2022-08-21. Review status: criteria provided, single submitter. Criteria: Invitae Variant Classification Sherloc (09022015). Collection method: clinical testing. Allele origin: germline.
Comment: This sequence change falls in intron 6 of the AGL gene. It does not directly change the encoded amino acid sequence of the AGL protein. This variant is present in population databases (rs372517543, gnomAD 0.01%). This variant has not been reported in the literature in individuals affected with AGL-related conditions. ClinVar contains an entry for this variant (Variation ID: 456514). Algorithms developed to predict the effect of sequence changes on RNA splicing suggest that this variant may create or strengthen a splice site. In summary, the available evidence is currently insufficient to determine the role of this variant in disease. Therefore, it has been classified as a Variant of Uncertain Significance.

Fulgent Genetics
Classification: Uncertain significance for Glycogen storage disease type III. Last evaluated: 2021-07-01. Review status: criteria provided, single submitter. Criteria: ACMG Guidelines, 2015. Collection method: clinical testing. Allele origin: unknown.

Natera, Inc.
Classification: Uncertain significance for Glycogen storage disease type III. Last evaluated: 2019-10-28. Review status: no assertion criteria provided. Collection method: clinical testing. Allele origin: germline. Not counted in ClinVar's aggregate classification.